The following is an entry in ClinVar:

ClinVar aggregate classification (germline): Uncertain significance (1 of 4 stars; one submission).

Conditions:
Aortic valve disease 2 (AOVD2). Identifiers: MedGen C3542024, MONDO:0013902, OMIM 614823.

Submission:

Labcorp Genetics (formerly Invitae), Labcorp
Classification: Uncertain significance for Aortic valve disease 2. Last evaluated: 2025-03-18. Review status: criteria provided, single submitter. Criteria: Invitae Variant Classification Sherloc (09022015). Collection method: clinical testing. Allele origin: germline.
Comment: This variant, c.613_633dup, results in the insertion of 7 amino acid(s) of the SMAD6 protein (p.Cys205_Ala211dup), but otherwise preserves the integrity of the reading frame. This variant is not present in population databases (gnomAD no frequency). This variant has not been reported in the literature in individuals affected with SMAD6-related conditions. In summary, the available evidence is currently insufficient to determine the role of this variant in disease. Therefore, it has been classified as a Variant of Uncertain Significance.

NM_005585.5(SMAD6):c.613_633dup (p.Ala211_Asp212insCysValLeuValProArgAla)

Gene: SMAD6 (SMAD family member 6; plus strand). Cytogenetic location: 15q22.31.
Variant type: Duplication.
Coding change: c.613_633dup on transcript NM_005585.5 (MANE Select); coding-DNA positions 613 to 633, 21 bases duplicated (TGCGTGCTGGTGCCGCGCGCC).
Protein change: p.Ala211_Asp212insCysValLeuValProArgAla.
Molecular consequence: inframe insertion. On other transcripts: non-coding transcript variant (1).
Genome position (GRCh38, 1-based): chr15:66,703,871-66,703,891, TGCGTGCTGGTGCCGCGCGCC duplicated; duplicating any 21 consecutive bases within chr15:66,703,870-66,703,891 gives the same sequence; the c. name uses the placement nearest the transcript's 3' end. VCF-style (leftmost placement, unchanged base first): chr15-66703869-G-GCTGCGTGCTGGTGCCGCGCGC. GRCh37 (hg19) VCF-style: chr15-66996207-G-GCTGCGTGCTGGTGCCGCGCGC.
Identifiers: ClinVar variation 4696745 (VCV004696745.1).